The following is an entry in ClinVar:

ClinVar aggregate classification (germline): Likely pathogenic (1 of 4 stars; one submission).

Conditions:
RBMX-related disorder. Also called: RBMX-related condition.

Submission:

Institute for Human Genetics, University Hospital Essen
Classification: Likely pathogenic for RBMX related disorder. Last evaluated: 2026-02-26. Review status: criteria provided, single submitter. Criteria: ACMG Guidelines, 2015. Collection method: clinical testing. Allele origin: de novo. Inheritance: X-linked inheritance. Affected: yes. Observed: 1 variant allele, 1 hemizygote.
Comment: PS2, PS3_mod, PM2_mod

NM_002139.4(RBMX):c.247_249del (p.Gln83del)

Gene: RBMX (RNA binding motif protein X-linked; minus strand). Cytogenetic location: Xq26.3.
Variant type: Deletion.
Coding change: c.247_249del on transcript NM_002139.4 (MANE Select); coding-DNA positions 247 to 249, 3 bases deleted (CAA; older notation c.247_249delCAA).
Protein change: p.Gln83del; deletes glutamine 83.
Molecular consequence: non-coding transcript variant (on NR_028477.2). On other transcripts: intron variant (1).
Genome position (GRCh38, 1-based): chrX:136,878,054-136,878,056, TTG deleted on the plus strand (CAA on the coding strand, the reverse complement: RBMX is on the minus strand); deleting any 3 consecutive bases within chrX:136,878,054-136,878,058 gives the same sequence; the c. name uses the placement nearest the transcript's 3' end. VCF-style (leftmost placement, unchanged base first): chrX-136878053-CTTG-C. GRCh37 (hg19) VCF-style: chrX-135960212-CTTG-C.
Other names: c.216+961_216+963del (NM_001164803.2); short protein forms Q83del.
Identifiers: ClinVar variation 4813205 (VCV004813205.1).